The following is an entry in ClinVar:

NM_198282.4(STING1):c.281G>A (p.Arg94His)

Genes: STING1 (stimulator of interferon response cGAMP interactor 1; minus strand), LOC123522803 (Sharpr-MPRA regulatory region 11914; plus strand). Cytogenetic location: 5q31.2.
Variant type: single nucleotide variant.
Coding change: c.281G>A on transcript NM_198282.4 (MANE Select); coding-DNA position 281, G replaced by A.
Protein change: p.Arg94His; replaces arginine 94 with histidine.
Molecular consequence: missense variant. On other transcripts: 5 prime UTR variant (1).
Genome position (GRCh38, 1-based): chr5:139,481,289, C>T on the plus strand (G>A on the coding strand, the complement: STING1 is on the minus strand). VCF-style: chr5-139481289-C-T. GRCh37 (hg19) VCF-style: chr5-138860874-C-T.
Other names: c.281G>A, p.Arg94His (LRG_1308t1, NM_001301738.2); c.-77G>A (NM_001367258.1); c.281G>A (NM_198282.2); short protein forms R94H.
Identifiers: ClinVar variation 661503 (VCV000661503.13), dbSNP rs780666926, ClinGen allele CA3435454.

ClinVar aggregate classification (germline): Conflicting classifications of pathogenicity. Review status: criteria provided, conflicting classifications (1 of 4 stars). 3 submissions from 3 submitters: Uncertain significance (1); Likely benign (2). Last evaluated 2025-11-07.

Conditions:
Inborn genetic diseases. Identifiers: MedGen C0950123, MeSH D030342.
STING-associated vasculopathy with onset in infancy. Also called: Sting-associated vasculopathy, infantile-onset. Identifiers: Orphanet 425120, MedGen C4014722, MONDO:0014405, OMIM 615934.

Allele frequency attached by ClinVar (database versions not stated): gnomAD 0.00001 and 0.00003; TOPMed 0.00003; gnomAD exomes 0.00005 and 0.00012; ExAC 0.00009.

Submissions (3):

Ambry Genetics
Classification: Likely benign for Inborn genetic diseases. Last evaluated: 2025-11-07. Review status: criteria provided, single submitter. Criteria: Ambry Variant Classification Scheme 2023. Collection method: clinical testing. Allele origin: germline.

Blueprint Genetics
Classification: Likely benign. Last evaluated: 2024-01-24. Review status: criteria provided, single submitter. Criteria: ACMG Guidelines, 2015. Collection method: clinical testing. Allele origin: germline.

Labcorp Genetics (formerly Invitae), Labcorp
Classification: Uncertain significance for STING-associated vasculopathy with onset in infancy. Last evaluated: 2023-12-11. Review status: criteria provided, single submitter. Criteria: Invitae Variant Classification Sherloc (09022015). Collection method: clinical testing. Allele origin: germline.
Comment: This sequence change replaces arginine, which is basic and polar, with histidine, which is basic and polar, at codon 94 of the TMEM173 protein (p.Arg94His). This variant is present in population databases (rs780666926, gnomAD 0.07%), and has an allele count higher than expected for a pathogenic variant. This variant has not been reported in the literature in individuals affected with TMEM173-related conditions. ClinVar contains an entry for this variant (Variation ID: 661503). Advanced modeling of protein sequence and biophysical properties (such as structural, functional, and spatial information, amino acid conservation, physicochemical variation, residue mobility, and thermodynamic stability) performed at Invitae indicates that this missense variant is not expected to disrupt TMEM173 protein function with a negative predictive value of 80%. In summary, the available evidence is currently insufficient to determine the role of this variant in disease. Therefore, it has been classified as a Variant of Uncertain Significance.